The following is an entry in ClinVar:

ClinVar aggregate classification (germline): Likely pathogenic. Review status: criteria provided, multiple submitters, no conflicts (2 of 4 stars). 2 submissions from 2 submitters: Likely pathogenic (2). Last evaluated 2026-05-12.

Conditions:
FLT4-related disorder. Also called: FLT4-related condition.

Submissions (2):

GeneDx
Classification: Likely pathogenic. Last evaluated: 2026-05-12. Review status: criteria provided, single submitter. Criteria: GeneDx Variant Classification Process June 2021. Collection method: clinical testing. Allele origin: germline.
Comment: Has been reported in a patient with a reported history of Milroy disease (PMID: 25109169); In silico analysis supports that this missense variant has a deleterious effect on protein structure/function; Not observed at significant frequency in large population cohorts (gnomAD); This variant is associated with the following publications: (PMID: 11114740, 10835628, 25109169)

PreventionGenetics, part of Exact Sciences
Classification: Likely pathogenic for FLT4-related condition. Last evaluated: 2025-06-20. Review status: criteria provided, single submitter. Criteria: ACMG Guidelines, 2015. Collection method: clinical testing. Allele origin: germline.
Comment: The FLT4 c.3242T>G variant is predicted to result in the amino acid substitution p.Met1081Arg. This variant was reported in a patient with a strong family history of Milroy disease (DiGiovanni et al. 2014. PubMed ID: 25109169). At PreventionGenetics, we previously identified this variant in 3 other patients with FLT4 related disorders. This variant has not been reported in a large population database (gnomAD), indicating this variant is rare. This variant is interpreted as likely pathogenic.

NM_182925.5(FLT4):c.3242T>G (p.Met1081Arg)

Gene: FLT4 (fms related receptor tyrosine kinase 4; minus strand). Cytogenetic location: 5q35.3.
Variant type: single nucleotide variant.
Coding change: c.3242T>G on transcript NM_182925.5 (MANE Select); coding-DNA position 3242, T replaced by G.
Protein change: p.Met1081Arg; replaces methionine 1081 with arginine.
Molecular consequence: missense variant.
Genome position (GRCh38, 1-based): chr5:180,614,157, A>C on the plus strand (T>G on the coding strand, the complement: FLT4 is on the minus strand). VCF-style: chr5-180614157-A-C. GRCh37 (hg19) VCF-style: chr5-180041157-A-C.
Other names: c.3242T>G, p.Met1081Arg (NM_001354989.2, NM_002020.5); short protein forms M1081R.
Identifiers: ClinVar variation 1803467 (VCV001803467.3), dbSNP rs2480849793, ClinGen allele CA362500312.
Genomic context (GRCh38, chr5:180,614,157, plus strand): 5'-CCAAAGGACCACACGTCACTCTGCGTGGTGTACACCTTGTCGAAGATGCTTTCAGGGGCC[A>C]TCCACTTCAGGGGCAGCCGGGCCTGGGGAGACAGAGGGAAGCTTGTCCCGTGGTGGATGG-3'
Protein context (NP_891555.2, residues 1071-1091): KGSARLPLKW[Met1081Arg]APESIFDKVY